The following is an entry in ClinVar:

NM_001267550.2(TTN):c.67960G>C (p.Asp22654His)

Genes: TTN-AS1 (TTN antisense RNA 1; plus strand), TTN (titin; minus strand), LOC126806423 (CDK7 strongly-dependent group 2 enhancer GRCh37_chr2:179443309-179444508; plus strand). Cytogenetic location: 2q31.2.
Variant type: single nucleotide variant.
Coding change: c.67960G>C on transcript NM_001267550.2 (MANE Select); coding-DNA position 67960, G replaced by C.
Protein change: p.Asp22654His; replaces aspartic acid 22654 with histidine.
Molecular consequence: missense variant.
Genome position (GRCh38, 1-based): chr2:178,579,070, C>G on the plus strand (G>C on the coding strand, the complement: TTN is on the minus strand). VCF-style: chr2-178579070-C-G. GRCh37 (hg19) VCF-style: chr2-179443797-C-G.
Other names: c.60256G>C, p.Asp20086His (NM_133378.4); c.63037G>C, p.Asp21013His (NM_001256850.1); c.40765G>C, p.Asp13589His (NM_003319.4); c.41140G>C, p.Asp13714His (NM_133432.3); c.41341G>C, p.Asp13781His (NM_133437.4); short protein forms D22654H, D20086H, D13589H, D13714H, D21013H, D13781H.
Identifiers: ClinVar variation 47258 (VCV000047258.16), dbSNP rs144295295, ClinGen allele CA140484.

ClinVar aggregate classification (germline): Conflicting classifications of pathogenicity. Review status: criteria provided, conflicting classifications (1 of 4 stars). 7 submissions from 3 submitters: Uncertain significance (3); Benign (3); Likely benign (1). Last evaluated 2017-06-20.

Conditions:
Early-onset myopathy with fatal cardiomyopathy (CMYO5). Also called: CONGENITAL MYOPATHY 5 WITH CARDIOMYOPATHY; Salih Myopathy. Identifiers: Orphanet 289377, MedGen C2673677, MONDO:0012714, OMIM 611705. Disease mechanism: loss of function.
Myopathy, myofibrillar, 9, with early respiratory failure (MFM9). Also called: MYOPATHY, PROXIMAL, WITH EARLY RESPIRATORY MUSCLE INVOLVEMENT; Myopathy, distal, with early respiratory failure, autosomal dominant; Hereditary myopathy with early respiratory failure; EDSTROM MYOPATHY. Identifiers: Orphanet 178464, Orphanet 34521, MedGen C1863599, MONDO:0011362, OMIM 603689.
Autosomal recessive limb-girdle muscular dystrophy type 2J (LGMDR10). Also called: Limb-girdle muscular dystrophy, type 2J; MUSCULAR DYSTROPHY, LIMB-GIRDLE, AUTOSOMAL RECESSIVE 10. Identifiers: Orphanet 140922, MedGen C1837342, MONDO:0012127, OMIM 608807.
Tibial muscular dystrophy (TMD). Also called: Tibial muscular dystrophy, tardive; UDD MYOPATHY; Udd Distal Myopathy – Tibial Muscular Dystrophy. Identifiers: Orphanet 609, MedGen C1838244, MONDO:0010870, OMIM 600334.
Dilated cardiomyopathy 1G (CMD1G). Identifiers: Orphanet 154, MedGen C1858763, MONDO:0011400, OMIM 604145.

Allele frequency attached by ClinVar (database versions not stated): gnomAD 0.00001 and 0.00003; TOPMed 0.00001; gnomAD exomes 0.00003 and 0.00016; ExAC 0.00004; 1000 Genomes Project 30x 0.00031; 1000 Genomes Project 0.00040.
gnomAD v4.1: 99 of 1,613,316 alleles (0.0061%); highest among the groups gnomAD compares: East Asian, 0.22%; 1 homozygote.

Submissions (7):

Illumina Laboratory Services, Illumina
Classification: Likely benign for Autosomal recessive limb-girdle muscular dystrophy type 2J. Last evaluated: 2017-06-20. Review status: criteria provided, single submitter. Criteria: ICSL Variant Classification Criteria 13 December 2019. Collection method: clinical testing. Allele origin: germline.
Comment: This variant was observed as part of a predisposition screen in an ostensibly healthy population. A literature search was performed for the gene, cDNA change, and amino acid change (where applicable). No publications were found based on this search. Allele frequency data from public databases allowed determination this variant is unlikely to cause disease. Therefore, this variant is classified as likely benign.

Illumina Laboratory Services, Illumina
Classification: Benign for Early-onset myopathy with fatal cardiomyopathy. Last evaluated: 2017-06-20. Review status: criteria provided, single submitter. Criteria: ICSL Variant Classification Criteria 13 December 2019. Collection method: clinical testing. Allele origin: germline.
Comment: This variant was observed as part of a predisposition screen in an ostensibly healthy population. A literature search was performed for the gene, cDNA change, and amino acid change (where applicable). No publications were found based on this search. Allele frequency data from public databases was too high to be consistent with this variant causing disease. Therefore, this variant is classified as benign.

Illumina Laboratory Services, Illumina
Classification: Benign for Tibial muscular dystrophy. Last evaluated: 2017-06-20. Review status: criteria provided, single submitter. Criteria: ICSL Variant Classification Criteria 13 December 2019. Collection method: clinical testing. Allele origin: germline.
Comment: the same text as in the submission from Illumina Laboratory Services, Illumina above.

Illumina Laboratory Services, Illumina
Classification: Benign for Myopathy, myofibrillar, 9, with early respiratory failure. Last evaluated: 2017-06-20. Review status: criteria provided, single submitter. Criteria: ICSL Variant Classification Criteria 13 December 2019. Collection method: clinical testing. Allele origin: germline.
Comment: the same text as in the submission from Illumina Laboratory Services, Illumina above.

Illumina Laboratory Services, Illumina
Classification: Uncertain significance for Dilated cardiomyopathy 1G. Last evaluated: 2017-04-27. Review status: criteria provided, single submitter. Criteria: ICSL Variant Classification Criteria 13 December 2019. Collection method: clinical testing. Allele origin: germline.

Athena Diagnostics
Classification: Uncertain significance. Last evaluated: 2016-06-07. Review status: criteria provided, single submitter. Criteria: Athena Diagnostics Criteria. Collection method: clinical testing. Allele origin: germline.

Laboratory for Molecular Medicine, Mass General Brigham Personalized Medicine
Classification: Uncertain significance. Last evaluated: 2012-07-31. Review status: criteria provided, single submitter. Criteria: LMM Criteria. Collection method: clinical testing. Allele origin: germline. Observed: 1 variant allele.
Comment: Variant classified as Uncertain Significance - Favor Benign. The Asp20086His var iant in TTN has not been reported in the literature but has been identified in 1 /194 Chinese and 2/178 Japanese individuals (dbSNP rs144295295, 1000 Genomes Pro ject). This frequency raises the possibility that the variant is not disease cau sing but is too low to rule out an effect. The affected amino acid is not well c onserved in evolution, also arguing against an impact of the variant to the prot ein. Additional information is needed to fully assess its clinical significance.